The following is an entry in ClinVar:

NM_001374828.1(ARID1B):c.4734del (p.Ser1579fs)

Gene: ARID1B (AT-rich interaction domain 1B; plus strand). Cytogenetic location: 6q25.3.
Variant type: Deletion.
Coding change: c.4734del on transcript NM_001374828.1 (MANE Select); coding-DNA position 4734, one base deleted (C; older notation c.4734delC).
Protein change: p.Ser1579fs; shifts the reading frame from serine 1579.
Molecular consequence: frameshift variant.
Genome position (GRCh38, 1-based): chr6:157,200,959, C deleted; the last of 2 consecutive C bases (chr6:157,200,958-157,200,959); deleting either gives the same sequence. VCF-style (leftmost placement, unchanged base first): chr6-157200957-TC-T. GRCh37 (hg19) VCF-style: chr6-157522091-TC-T.
Other names: c.4365delC (NM_020732.3); c.2235del, p.Ser746fs (NM_001363725.2); c.4614del, p.Ser1539fs (NM_001371656.1, NM_001374820.1); c.4575del, p.Ser1526fs (NM_017519.3); short protein forms S746fs, S1526fs, S1539fs, S1579fs.
Identifiers: ClinVar variation 545949 (VCV000545949.2), dbSNP rs1554235699, ClinGen allele CA658821556.

ClinVar aggregate classification (germline): Pathogenic (1 of 4 stars; one submission).

Submission:

GeneDx
Classification: Pathogenic. Last evaluated: 2018-05-21. Review status: criteria provided, single submitter. Criteria: GeneDx Variant Classification (06012015). Collection method: clinical testing. Allele origin: germline. Affected: yes.
Comment: The c.4365delC variant in the ARID1B gene has not been reported previously as a pathogenic variant nor as a benign variant, to our knowledge. The c.4365delC variant causes a frameshift starting with codon Serine 1456, changes this amino acid to a Proline residue, and creates a premature Stop codon at position 38 of the new reading frame, denoted p.Ser1456ProfsX38. This variant is predicted to cause loss of normal protein function either through protein truncation or nonsense-mediated mRNA decay. The c.4365delC variant is not observed in large population cohorts (Lek et al., 2016) We interpret c.4365delC as a pathogenic variant.